The following is an entry in ClinVar:

ClinVar aggregate classification (germline): Uncertain significance (1 of 4 stars; one submission).

Conditions:
Familial thoracic aortic aneurysm and aortic dissection (TAAD). Also called: Thoracic aortic aneurysms and dissections. Identifiers: Orphanet 91387, MedGen C4707243, MONDO:0019625.

Allele frequency attached by ClinVar (database versions not stated): 1000 Genomes Project 30x 0.00016; 1000 Genomes Project 0.00020.
gnomAD v4.1: 1 of 1,612,994 alleles (0.000062%); highest among the groups gnomAD compares: East Asian, 0.0022%; no homozygotes.

Submission:

Color Diagnostics, LLC DBA Color Health
Classification: Uncertain significance for Familial thoracic aortic aneurysm and aortic dissection. Last evaluated: 2020-11-04. Review status: criteria provided, single submitter. Criteria: ACMG Guidelines, 2015. Collection method: clinical testing. Allele origin: germline.
Comment: This variant causes a C to G nucleotide substitution at the -9 position of intron 34 of the MYH11 gene. Splice prediction tools are inconclusive regarding the impact of this variant on RNA splicing. To our knowledge, functional studies have not been reported for this variant. This variant has not been reported in individuals affected with cardiovascular disorders in the literature. This variant has not been identified in the general population by the Genome Aggregation Database (gnomAD). The available evidence is insufficient to determine the role of this variant in disease conclusively. Therefore, this variant is classified as a Variant of Uncertain Significance.

NM_002474.3(MYH11):c.4792-9C>G

Genes: MYH11 (myosin heavy chain 11; minus strand), NDE1 (nudE neurodevelopment protein 1; plus strand). Cytogenetic location: 16p13.11.
Variant type: single nucleotide variant.
Coding change: c.4792-9C>G on transcript NM_002474.3 (MANE Select); 9 bases into the intron before coding-DNA position 4792, C replaced by G.
Molecular consequence: intron variant.
Genome position (GRCh38, 1-based): chr16:15,720,321, G>C on the plus strand (C>G on the coding strand, the complement: MYH11 is on the minus strand). VCF-style: chr16-15720321-G-C. GRCh37 (hg19) VCF-style: chr16-15814178-G-C.
Other names: c.948-3870G>C (NM_001143979.2, NM_017668.3); c.4792-9C>G (NM_022844.3); c.4813-9C>G (NM_001040114.2, NM_001040113.2).
Identifiers: ClinVar variation 1171148 (VCV001171148.2), dbSNP rs201567063, ClinGen allele CA278598461.